The following is an entry in ClinVar:

NM_000059.4(BRCA2):c.8332-1G>T

Gene: BRCA2 (BRCA2 DNA repair associated; plus strand). Cytogenetic location: 13q13.1.
Variant type: single nucleotide variant.
Coding change: c.8332-1G>T on transcript NM_000059.4 (MANE Select); the canonical splice acceptor site of the intron before coding-DNA position 8332, G replaced by T.
Molecular consequence: splice acceptor variant.
Genome position (GRCh38, 1-based): chr13:32,370,401, G>T. VCF-style: chr13-32370401-G-T. GRCh37 (hg19) VCF-style: chr13-32944538-G-T.
Other names: c.8332-1G>T (NM_001406720.1); c.8236-1G>T (NM_001406719.1); c.3400-1G>T (NM_001406721.1); c.1915-1G>T (NM_001406722.1).
Identifiers: ClinVar variation 185300 (VCV000185300.31), dbSNP rs397507979, ClinGen allele CA025584.

ClinVar aggregate classification (germline): Pathogenic/Likely pathogenic. Review status: criteria provided, multiple submitters, no conflicts (2 of 4 stars). 7 submissions from 7 submitters: Pathogenic (4); Likely pathogenic (3). Last evaluated 2025-11-13.

Conditions:
Hereditary cancer-predisposing syndrome. Also called: Tumor predisposition; Hereditary Cancer Syndrome; Hereditary neoplastic syndrome; Neoplastic Syndromes, Hereditary. Identifiers: Orphanet 140162, MedGen C0027672, MeSH D009386, MONDO:0015356.
Hereditary breast ovarian cancer syndrome. Also called: Breast and ovarian cancer; Hereditary breast and ovarian cancer syndrome; Hereditary breast and ovarian cancer; BRCA1- and BRCA2-Associated Hereditary Breast and Ovarian Cancer; Hereditary breast and ovarian cancer syndrome (HBOC); Hereditary breast and/or ovarian cancer syndrome. Identifiers: Orphanet 145, MedGen C0677776, MeSH D061325, MONDO:0003582. Disease mechanism: loss of function.
Breast-ovarian cancer, familial, susceptibility to, 2 (BROVCA2). Also called: BRCA2 Hereditary Breast and Ovarian Cancer. Identifiers: Orphanet 145, MedGen C2675520, MONDO:0012933, OMIM 612555. Disease mechanism: loss of function.

Submissions (7):

Ambry Genetics
Classification: Pathogenic for Hereditary cancer-predisposing syndrome. Last evaluated: 2025-11-13. Review status: criteria provided, single submitter. Criteria: Ambry Variant Classification Scheme 2023. Collection method: clinical testing. Allele origin: germline.
Comment: The c.8332-1G>T intronic pathogenic mutation results from a G to T substitution one nucleotide upstream from coding exon 18 of the BRCA2 gene. This nucleotide position is highly conserved in available vertebrate species. A saturation genome editing-based study using a haploid cell-survival assay demonstrates that this nucleotide substitution is non-functional (Huang H et al. Nature. 2025 Feb;638(8050):528-537) In silico splice site analysis predicts that this alteration will weaken the native splice acceptor site and will result in the creation or strengthening of a novel splice acceptor site. RNA studies have demonstrated that this alteration results in abnormal splicing in the set of samples tested (Ambry internal data). Alterations that disrupt the canonical splice site are expected to cause aberrant splicing, resulting in an abnormal protein or a transcript that is subject to nonsense-mediated mRNA decay. As such, this alteration is interpreted as a disease-causing mutation.

Labcorp Genetics (formerly Invitae), Labcorp
Classification: Likely pathogenic for Hereditary breast ovarian cancer syndrome. Last evaluated: 2024-07-25. Review status: criteria provided, single submitter. Criteria: Invitae Variant Classification Sherloc (09022015). Collection method: clinical testing. Allele origin: germline.
Comment: This sequence change affects an acceptor splice site in intron 18 of the BRCA2 gene. RNA analysis indicates that disruption of this splice site induces altered splicing and may result in an absent or altered protein product. This variant is not present in population databases (gnomAD no frequency). Disruption of this splice site has been observed in individual(s) with clinical features of BRCA2-related conditions (PMID: 22729890, 29446198, 30199306). ClinVar contains an entry for this variant (Variation ID: 185300). Studies have shown that disruption of this splice site results in deletion of 14 nucleotides of exon 19, and produces a non-functional protein and/or introduces a premature termination codon (PMID: 21735045). In summary, the currently available evidence indicates that the variant is pathogenic, but additional data are needed to prove that conclusively. Therefore, this variant has been classified as Likely Pathogenic.

Color Diagnostics, LLC DBA Color Health
Classification: Likely pathogenic for Hereditary cancer-predisposing syndrome. Last evaluated: 2023-08-16. Review status: criteria provided, single submitter. Criteria: ACMG Guidelines, 2015. Collection method: clinical testing. Allele origin: germline.
Comment: This variant causes a G to T nucleotide substitution at the -1 position of intron 18 of the BRCA2 gene. Splice site prediction tools predict that this variant may have a significant impact on RNA splicing. Although functional studies have not been reported for this variant, it is expected to result in an absent or non-functional protein product. A functional RNA study reported that a variant impacting the same splice site, c.8332-1G>C, causes a 14 nucleotide deletion in exon 19 and is expected to result in a frameshift and premature translation stop signal (PMID: 21735045). This variant has been reported in at least two individuals affected with breast cancer and an individual affected with pancreatic cancer (PMID: 22729890, 30199306, 33471991, 35171259). This variant has not been identified in the general population by the Genome Aggregation Database (gnomAD). Loss of BRCA2 function is a known mechanism of disease. Based on the available evidence, this variant is classified as Likely Pathogenic.

All of Us Research Program, National Institutes of Health
Classification: Pathogenic for Breast-ovarian cancer, familial, susceptibility to, 2. Last evaluated: 2023-07-11. Review status: criteria provided, single submitter. Criteria: ACMG Guidelines, 2015. Collection method: clinical testing. Allele origin: germline. Inheritance: Autosomal dominant inheritance. Observed: 1 variant allele, 1 heterozygote.
Comment: The c.8332-1G>T variant in the BRCA2 gene is located at the canonical splice site of intron 18 and is predicted to inflict acceptor loss (SpliceAI delta score: 0.99), resulting in alternative splicing and disrupted protein product. The variant has been reported in 3 unrelated individuals with breast/ pancreatic cancer (PMID: 29297111, 35171259, 22729890). Experimental analysis of cDNA showed that this variant abolishes the natural 3? splice site of exon 19 and leads to the activation of a cryptic splice site 14 bp downstream. The mutated transcript shows a 14-bp deletion at the beginning of exon 19. This change is predicted to generate a truncated protein (p.Ile2778Tyrfs*15) (PMID: 21735045). Loss-of-function variants of BRCA2 are known to be pathogenic (PMID: 8988179, 11897832, 29446198). The variant is reported in ClinVar (ID: 185300). The variant is absent in the general population database (gnomAD). Therefore, the c.8332-1G>T variant of BRCA2 has been classified as pathogenic.

This study involves interpretation of variants in research participants for the purpose of population health screening. Participant phenotype was not available at the time of variant classification. Additional details can be found in publication PMID: 35346344, PMCID: PMC8962531

GeneDx
Classification: Pathogenic. Last evaluated: 2022-02-01. Review status: criteria provided, single submitter. Criteria: GeneDx Variant Classification Process June 2021. Collection method: clinical testing. Allele origin: germline. Affected: yes.
Comment: Canonical splice site variant expected to result in aberrant splicing, leading to the in-frame deletion of exon 19, which is located in the critical DSS1 contacting residue of the DNA binding domain (Yang 2002); Not observed at significant frequency in large population cohorts (gnomAD); In silico analysis supports a deleterious effect on splicing; Also known as 8560-1G>T; Observed in individuals with a personal or family history of breast cancer in published literature (Becker 2012, Abulkhair 2018); This variant is associated with the following publications: (PMID: 30199306, 22729890, 29446198)

Women's Health and Genetics/Laboratory Corporation of America, LabCorp
Classification: Likely pathogenic for Hereditary breast ovarian cancer syndrome. Last evaluated: 2017-05-26. Review status: criteria provided, single submitter. Criteria: LabCorp Variant Classification Summary - May 2015. Collection method: clinical testing. Allele origin: germline.
Comment: Variant summary: The BRCA2 c.8332-1G>T variant involves the alteration of a conserved intronic nucleotide. One in silico tool predicts a damaging outcome for this variant. 4/5 splice prediction tools predict a weakening of the canonical splice donor site while 3/5 splice prediction tools predict the variant to activate a cryptic splice donor site. However, these predictions have yet to be confirmed by functional studies. The variant of interest has not been found in a large, broad control population, ExAC in 121260 control chromosomes. This variant was reported in one study in a BC patient with extensive BC history (Becker_Breast Cancer Res Treat_2012). In addition, multiple clinical diagnostic laboratories/reputable databases classified this variant as pathogenic. Taken together, this variant is classified as likely pathogenic.

Consortium of Investigators of Modifiers of BRCA1/2 (CIMBA), c/o University of Cambridge
Classification: Pathogenic for Breast-ovarian cancer, familial, susceptibility to, 2. Last evaluated: 2015-10-02. Review status: criteria provided, single submitter. Criteria: CIMBA Mutation Classification guidelines May 2016. Collection method: clinical testing. Allele origin: germline.

Literature cited by the submitters: PubMed 21735045 (cited by 4 submitters); PubMed 22729890 (cited by 5 submitters); PubMed 30199306 (cited by 3 submitters); PubMed 39779857 (cited by Ambry Genetics); PubMed 29446198 (cited by Labcorp Genetics (formerly Invitae), Labcorp and All of Us Research Program, National Institutes of Health); PubMed 33471991 (cited by Color Diagnostics, LLC DBA Color Health); PubMed 35171259 (cited by Color Diagnostics, LLC DBA Color Health and All of Us Research Program, National Institutes of Health); PubMed 8988179 (cited by All of Us Research Program, National Institutes of Health); PubMed 11897832 (cited by All of Us Research Program, National Institutes of Health); PubMed 29297111 (cited by All of Us Research Program, National Institutes of Health).